The following is an entry in ClinVar:

NM_001204.7(BMPR2):c.2749G>C (p.Ala917Pro)

Gene: BMPR2 (bone morphogenetic protein receptor type 2; plus strand). Cytogenetic location: 2q33.2.
Variant type: single nucleotide variant.
Coding change: c.2749G>C on transcript NM_001204.7 (MANE Select); coding-DNA position 2749, G replaced by C.
Protein change: p.Ala917Pro; replaces alanine 917 with proline.
Molecular consequence: missense variant.
Genome position (GRCh38, 1-based): chr2:202,556,414, G>C. VCF-style: chr2-202556414-G-C. GRCh37 (hg19) VCF-style: chr2-203421137-G-C.
Other names: short protein forms A917P.
Identifiers: ClinVar variation 3824736 (VCV003824736.1).
Genomic context (GRCh38, chr2:202,556,414, plus strand): 5'-GGTGGCCGAACTAATTCCAATAACAACAACAGCAATCCATGTTCAGAACAAGATGTTCTT[G>C]CACAGGGTGTTCCAAGCACAGCAGCAGATCCTGGGCCATCAAAGCCCAGAAGAGCACAGA-3'
Protein context (NP_001195.2, residues 907-927): SNPCSEQDVL[Ala917Pro]QGVPSTAADP

ClinVar aggregate classification (germline): Uncertain significance (1 of 4 stars; one submission).

Conditions:
Inborn genetic diseases. Identifiers: MedGen C0950123, MeSH D030342.

gnomAD v4.1: 1 of 1,614,200 alleles (0.000062%); highest among the groups gnomAD compares: Non-Finnish European, 0.000085%; no homozygotes.

Submission:

Ambry Genetics
Classification: Uncertain significance for Inborn genetic diseases. Last evaluated: 2024-12-13. Review status: criteria provided, single submitter. Criteria: Ambry Variant Classification Scheme 2023. Collection method: clinical testing. Allele origin: germline.
Comment: The p.A917P variant (also known as c.2749G>C), located in coding exon 12 of the BMPR2 gene, results from a G to C substitution at nucleotide position 2749. The alanine at codon 917 is replaced by proline, an amino acid with highly similar properties. This amino acid position is conserved. In addition, this alteration is predicted to be tolerated by in silico analysis. Based on the available evidence, the clinical significance of this variant remains unclear.